The following is an entry in ClinVar:

NM_006204.4(PDE6C):c.542C>T (p.Ala181Val)

Gene: PDE6C (phosphodiesterase 6C; plus strand). Cytogenetic location: 10q23.33.
Variant type: single nucleotide variant.
Coding change: c.542C>T on transcript NM_006204.4 (MANE Select); coding-DNA position 542, C replaced by T.
Protein change: p.Ala181Val; replaces alanine 181 with valine.
Molecular consequence: missense variant.
Genome position (GRCh38, 1-based): chr10:93,620,693, C>T. VCF-style: chr10-93620693-C-T. GRCh37 (hg19) VCF-style: chr10-95380450-C-T.
Other names: short protein forms A181V.
Identifiers: ClinVar variation 301622 (VCV000301622.11), dbSNP rs760690854, ClinGen allele CA5609873.
Genomic context (GRCh38, chr10:93,620,693, plus strand): 5'-ACAGCCATTTTTCTGACTTCATGGACAAGCAAACTGGGTATGTCACTAAGAACCTGCTGG[C>T]AACCCCGATCGTGGTGGGCAAGGAGGTTCTTGCTGTGATCATGGCAGTTAACAAAGTAAA-3'
Protein context (NP_006195.3, residues 171-191): QTGYVTKNLL[Ala181Val]TPIVVGKEVL

ClinVar aggregate classification (germline): Uncertain significance. Review status: criteria provided, multiple submitters, no conflicts (2 of 4 stars). 4 submissions from 3 submitters: Uncertain significance (4). Last evaluated 2022-08-23.

Conditions:
Achromatopsia. Also called: Rod monochromatism. Identifiers: Orphanet 49382, MedGen C0152200, MONDO:0018852, HP:0011516.
Cone dystrophy 4 (COD4). Identifiers: Orphanet 49382, MedGen C2751308, MONDO:0013129, OMIM 613093.

Allele frequency attached by ClinVar (database versions not stated): ExAC 0.00001; gnomAD 0.00001; gnomAD exomes 0.00001 and 0.00005; TOPMed 0.00001.

Submissions (4):

Blueprint Genetics
Classification: Uncertain significance. Last evaluated: 2022-08-23. Review status: criteria provided, single submitter. Criteria: ACMG Guidelines, 2015. Collection method: clinical testing. Allele origin: germline.

Labcorp Genetics (formerly Invitae), Labcorp
Classification: Uncertain significance. Last evaluated: 2022-04-06. Review status: criteria provided, single submitter. Criteria: Invitae Variant Classification Sherloc (09022015). Collection method: clinical testing. Allele origin: germline.
Comment: This sequence change replaces alanine, which is neutral and non-polar, with valine, which is neutral and non-polar, at codon 181 of the PDE6C protein (p.Ala181Val). This variant is present in population databases (rs760690854, gnomAD 0.0009%). This variant has not been reported in the literature in individuals affected with PDE6C-related conditions. ClinVar contains an entry for this variant (Variation ID: 301622). Algorithms developed to predict the effect of missense changes on protein structure and function are either unavailable or do not agree on the potential impact of this missense change (SIFT: "Deleterious"; PolyPhen-2: "Possibly Damaging"; Align-GVGD: "Class C0"). Algorithms developed to predict the effect of sequence changes on RNA splicing suggest that this variant may create or strengthen a splice site. In summary, the available evidence is currently insufficient to determine the role of this variant in disease. Therefore, it has been classified as a Variant of Uncertain Significance.

Illumina Laboratory Services, Illumina
Classification: Uncertain significance for Cone dystrophy 4. Last evaluated: 2018-01-12. Review status: criteria provided, single submitter. Criteria: ICSL Variant Classification Criteria 13 December 2019. Collection method: clinical testing. Allele origin: germline.

Illumina Laboratory Services, Illumina
Classification: Uncertain significance for Achromatopsia. Last evaluated: 2018-01-12. Review status: criteria provided, single submitter. Criteria: ICSL Variant Classification Criteria 13 December 2019. Collection method: clinical testing. Allele origin: germline.